The following is an entry in ClinVar:

NM_005411.5(SFTPA1):c.547A>C (p.Thr183Pro)

Gene: SFTPA1 (surfactant protein A1; plus strand). Cytogenetic location: 10q22.3.
Variant type: single nucleotide variant.
Coding change: c.547A>C on transcript NM_005411.5 (MANE Select); coding-DNA position 547, A replaced by C.
Protein change: p.Thr183Pro; replaces threonine 183 with proline.
Molecular consequence: missense variant.
Genome position (GRCh38, 1-based): chr10:79,613,913, A>C. VCF-style: chr10-79613913-A-C. GRCh37 (hg19) VCF-style: chr10-81373669-A-C.
Other names: c.592A>C, p.Thr198Pro (NM_001093770.3); c.547A>C, p.Thr183Pro (NM_001164644.2, NM_001164647.1); c.445A>C, p.Thr149Pro (NM_001164645.2); c.400A>C, p.Thr134Pro (NM_001164646.2); short protein forms T183P, T134P, T198P, T149P.
Identifiers: ClinVar variation 4998402 (VCV004998402.1).
Genomic context (GRCh38, chr10:79,613,913, plus strand): 5'-GCTGTCCCAAGGAATCCAGAGGAAAATGAGGCCATTGCAAGCTTCGTGAAGAAGTACAAC[A>C]CATATGCCTATGTAGGCCTGACTGAGGGTCCCAGCCCTGGAGACTTCCGCTACTCAGACG-3'
Protein context (NP_005402.3, residues 173-193): AIASFVKKYN[Thr183Pro]YAYVGLTEGP

ClinVar aggregate classification (germline): Uncertain significance (1 of 4 stars; one submission).

Conditions:
SFTPA1-related disorder. Also called: SFTPA1-related condition.

Submission:

PreventionGenetics, part of Exact Sciences
Classification: Uncertain significance for SFTPA1-related condition. Last evaluated: 2024-10-24. Review status: criteria provided, single submitter. Criteria: ACMG Guidelines, 2015. Collection method: clinical testing. Allele origin: germline.
Comment: The SFTPA1 c.547A>C variant is predicted to result in the amino acid substitution p.Thr183Pro. To our knowledge, this variant has not been reported in the literature or in a large population database (gnomAD), indicating this variant is rare. At this time, the clinical significance of this variant is uncertain due to the absence of conclusive functional and genetic evidence.